The following is an entry in ClinVar:

NM_000166.6(GJB1):c.5A>G (p.Asn2Ser)

Gene: GJB1 (gap junction protein beta 1; plus strand). Cytogenetic location: Xq13.1.
Variant type: single nucleotide variant.
Coding change: c.5A>G on transcript NM_000166.6 (MANE Select); coding-DNA position 5, A replaced by G.
Protein change: p.Asn2Ser; replaces asparagine 2 with serine.
Molecular consequence: missense variant.
Genome position (GRCh38, 1-based): chrX:71,223,712, A>G. VCF-style: chrX-71223712-A-G. GRCh37 (hg19) VCF-style: chrX-70443562-A-G.
Other names: c.5A>G, p.Asn2Ser (NM_001097642.3); short protein forms N2S.
Identifiers: ClinVar variation 2138605 (VCV002138605.5), dbSNP rs2519797509, ClinGen allele CA413499267.

ClinVar aggregate classification (germline): Uncertain significance. Review status: criteria provided, multiple submitters, no conflicts (2 of 4 stars). 2 submissions from 2 submitters: Uncertain significance (2). Last evaluated 2023-05-20.

Conditions:
Charcot-Marie-Tooth Neuropathy X. Identifiers: MedGen CN118851.
Charcot-Marie-Tooth disease X-linked dominant 1. Also called: X-linked Charcot-Marie-Tooth disease type 1; CHARCOT-MARIE-TOOTH NEUROPATHY, X-LINKED, 1; CHARCOT-MARIE-TOOTH PERONEAL MUSCULAR ATROPHY, X-LINKED; HEREDITARY MOTOR AND SENSORY NEUROPATHY, X-LINKED; HMSN, X-LINKED; Charcot-Marie-Tooth Neuropathy X Type 1. Identifiers: Orphanet 101075, MedGen C0393808, MONDO:0010549, OMIM 302800.

Submissions (2):

Neuberg Centre For Genomic Medicine, NCGM
Classification: Uncertain significance for Charcot-Marie-Tooth disease X-linked dominant 1. Last evaluated: 2023-05-20. Review status: criteria provided, single submitter. Criteria: ACMG Guidelines, 2015. Collection method: clinical testing. Allele origin: germline. Inheritance: X-linked dominant inheritance. Affected: yes.
Comment: The missense variant c.5A>G (p.Asn2Ser) in the GJB1 gene has not been reported previously as a pathogenic variant nor as a benign variant, to our knowledge. The variant is absent in the gnomAD Exomes. This variant has been reported to the ClinVar database as Uncertain Significance. However, no details are available for independent assessment. The amino acid Asparagine at position 2 is changed to a Serine changing protein sequence and it might alter its composition and physico- chemical properties. Computational evidence (Polyphen, SIFT and MutationTaster) predicts conflicting evidence on protein structure and function for this variant. The amino acid change p.Asn2Ser in GJB1 is predicted as conserved by GERP++ and PhyloP across 100 vertebrates. For these reasons, this variant has been classified as Uncertain Significance.

Labcorp Genetics (formerly Invitae), Labcorp
Classification: Uncertain significance for Charcot-Marie-Tooth Neuropathy X. Last evaluated: 2022-10-03. Review status: criteria provided, single submitter. Criteria: Invitae Variant Classification Sherloc (09022015). Collection method: clinical testing. Allele origin: germline.
Comment: In summary, the available evidence is currently insufficient to determine the role of this variant in disease. Therefore, it has been classified as a Variant of Uncertain Significance. This variant disrupts the p.Asn2 amino acid residue in GJB1. Other variant(s) that disrupt this residue have been observed in individuals with GJB1-related conditions (PMID: 21607969), which suggests that this may be a clinically significant amino acid residue. Experimental studies have shown that this missense change affects GJB1 function (PMID: 27804109). Advanced modeling of protein sequence and biophysical properties (such as structural, functional, and spatial information, amino acid conservation, physicochemical variation, residue mobility, and thermodynamic stability) performed at Invitae indicates that this missense variant is not expected to disrupt GJB1 protein function. This missense change has been observed in individual(s) with Charcot-Marie-Tooth disease (PMID: 27804109). It has also been observed to segregate with disease in related individuals. This variant is not present in population databases (gnomAD no frequency). This sequence change replaces asparagine, which is neutral and polar, with serine, which is neutral and polar, at codon 2 of the GJB1 protein (p.Asn2Ser).

Literature cited by the submitters: PubMed 21607969 (cited by Labcorp Genetics (formerly Invitae), Labcorp); PubMed 27804109 (cited by Labcorp Genetics (formerly Invitae), Labcorp).